The following is an entry in ClinVar:

ClinVar aggregate classification (germline): Uncertain significance (1 of 4 stars; one submission).

Allele frequency attached by ClinVar (database versions not stated): gnomAD exomes below 0.00001; TOPMed 0.00001.
gnomAD v4.1: 1 of 1,607,890 alleles (0.000062%); highest among the groups gnomAD compares: African/African-American, 0.0013%; no homozygotes.

Submission:

Labcorp Genetics (formerly Invitae), Labcorp
Classification: Uncertain significance. Last evaluated: 2022-03-19. Review status: criteria provided, single submitter. Criteria: Invitae Variant Classification Sherloc (09022015). Collection method: clinical testing. Allele origin: germline.
Comment: This variant has not been reported in the literature in individuals affected with KIAA1549-related conditions. This variant is not present in population databases (gnomAD no frequency). This sequence change replaces glutamic acid, which is acidic and polar, with glycine, which is neutral and non-polar, at codon 1752 of the KIAA1549 protein (p.Glu1752Gly). Algorithms developed to predict the effect of missense changes on protein structure and function are either unavailable or do not agree on the potential impact of this missense change (SIFT: "Tolerated"; PolyPhen-2: "Possibly Damaging"; Align-GVGD: "Class C0"). In summary, the available evidence is currently insufficient to determine the role of this variant in disease. Therefore, it has been classified as a Variant of Uncertain Significance. ClinVar contains an entry for this variant (Variation ID: 1002385).

NM_001164665.2(KIAA1549):c.5255A>G (p.Glu1752Gly)

Gene: KIAA1549 (KIAA1549; minus strand). Cytogenetic location: 7q34.
Variant type: single nucleotide variant.
Coding change: c.5255A>G on transcript NM_001164665.2 (MANE Select); coding-DNA position 5255, A replaced by G.
Protein change: p.Glu1752Gly; replaces glutamic acid 1752 with glycine.
Molecular consequence: missense variant.
Genome position (GRCh38, 1-based): chr7:138,852,262, T>C on the plus strand (A>G on the coding strand, the complement: KIAA1549 is on the minus strand). VCF-style: chr7-138852262-T-C. GRCh37 (hg19) VCF-style: chr7-138537008-T-C.
Other names: c.5255A>G, p.Glu1752Gly (NM_020910.3); short protein forms E1752G.
Identifiers: ClinVar variation 1002385 (VCV001002385.8), dbSNP rs902568442, ClinGen allele CA167140775.